The following is an entry in ClinVar:

ClinVar aggregate classification (germline): Uncertain significance (1 of 4 stars; one submission).

Conditions:
Ulnar-mammary syndrome (UMS). Also called: SCHINZEL SYNDROME; Ulnar-mammary syndrome of Pallister; PALLISTER ULNAR-MAMMARY SYNDROME. Identifiers: Orphanet 3138, MedGen C1866994, MONDO:0008411, OMIM 181450.

Allele frequency attached by ClinVar (database versions not stated): gnomAD exomes below 0.00001; TOPMed below 0.00001.
gnomAD v4.1: 5 of 1,539,690 alleles (0.00032%); highest among the groups gnomAD compares: African/African-American, 0.0014%; no homozygotes.

Submission:

Labcorp Genetics (formerly Invitae), Labcorp
Classification: Uncertain significance for Ulnar-mammary syndrome. Last evaluated: 2025-02-19. Review status: criteria provided, single submitter. Criteria: Invitae Variant Classification Sherloc (09022015). Collection method: clinical testing. Allele origin: germline.
Comment: This sequence change replaces alanine, which is neutral and non-polar, with valine, which is neutral and non-polar, at codon 468 of the TBX3 protein (p.Ala468Val). This variant is not present in population databases (gnomAD no frequency). This variant has not been reported in the literature in individuals affected with TBX3-related conditions. ClinVar contains an entry for this variant (Variation ID: 2762206). An algorithm developed to predict the effect of missense changes on protein structure and function outputs the following: PolyPhen-2: "Benign". The valine amino acid residue is found in multiple mammalian species, which suggests that this missense change does not adversely affect protein function. In summary, the available evidence is currently insufficient to determine the role of this variant in disease. Therefore, it has been classified as a Variant of Uncertain Significance.

NM_005996.4(TBX3):c.1403C>T (p.Ala468Val)

Gene: TBX3 (T-box transcription factor 3; minus strand). Cytogenetic location: 12q24.21.
Variant type: single nucleotide variant.
Coding change: c.1403C>T on transcript NM_005996.4 (MANE Select); coding-DNA position 1403, C replaced by T.
Protein change: p.Ala468Val; replaces alanine 468 with valine.
Molecular consequence: missense variant.
Genome position (GRCh38, 1-based): chr12:114,674,472, G>A on the plus strand (C>T on the coding strand, the complement: TBX3 is on the minus strand). VCF-style: chr12-114674472-G-A. GRCh37 (hg19) VCF-style: chr12-115112277-G-A.
Other names: c.1463C>T, p.Ala488Val (NM_016569.4); short protein forms A468V, A488V.
Identifiers: ClinVar variation 2762206 (VCV002762206.3), dbSNP rs973929178, ClinGen allele CA244143605.